The following is an entry in ClinVar:

ClinVar aggregate classification (germline): Benign/Likely benign. Review status: criteria provided, multiple submitters, no conflicts (2 of 4 stars). 4 submissions from 4 submitters: Benign (1); Likely benign (2). 1 of the submissions does not count toward it. Last evaluated 2026-01-07.

Conditions:
KMT2A-related disorder. Also called: KMT2A-related condition.

Allele frequency attached by ClinVar (database versions not stated): ExAC 0.00010; gnomAD exomes 0.00010; 1000 Genomes Project 30x 0.00016; 1000 Genomes Project 0.00020; gnomAD 0.00029 and 0.00035; ESP Exome Variant Server 0.00031; TOPMed 0.00034.
gnomAD v4.1: 95 of 1,614,170 alleles (0.0059%); highest among the groups gnomAD compares: African/African-American, 0.12%; no homozygotes.

Submissions (4):

Labcorp Genetics (formerly Invitae), Labcorp
Classification: Likely benign. Last evaluated: 2026-01-07. Review status: criteria provided, single submitter. Criteria: Invitae Variant Classification Sherloc (09022015). Collection method: clinical testing. Allele origin: germline.

Blueprint Genetics
Classification: Likely benign. Last evaluated: 2022-07-25. Review status: criteria provided, single submitter. Criteria: ACMG Guidelines, 2015. Collection method: clinical testing. Allele origin: germline.

GeneDx
Classification: Benign. Last evaluated: 2020-10-05. Review status: criteria provided, single submitter. Criteria: GeneDx Variant Classification Process June 2021. Collection method: clinical testing. Allele origin: germline. Affected: yes.

PreventionGenetics, part of Exact Sciences
Classification: Likely benign for KMT2A-related condition. Last evaluated: 2024-02-08. Review status: no assertion criteria provided. Collection method: clinical testing. Allele origin: germline. Not counted in ClinVar's aggregate classification.
Comment: This variant is classified as likely benign based on ACMG/AMP sequence variant interpretation guidelines (Richards et al. 2015 PMID: 25741868, with internal and published modifications).

NM_001197104.2(KMT2A):c.2943A>G (p.Pro981=)

Gene: KMT2A (lysine methyltransferase 2A; plus strand). Cytogenetic location: 11q23.3.
Variant type: single nucleotide variant.
Coding change: c.2943A>G on transcript NM_001197104.2 (MANE Select); coding-DNA position 2943, A replaced by G.
Protein change: p.Pro981=; no amino-acid change (proline 981 retained).
Molecular consequence: synonymous variant.
Genome position (GRCh38, 1-based): chr11:118,474,102, A>G. VCF-style: chr11-118474102-A-G. GRCh37 (hg19) VCF-style: chr11-118344817-A-G.
Other names: c.2943A>G, p.Pro981= (NM_005933.4).
Identifiers: ClinVar variation 727729 (VCV000727729.14), dbSNP rs146028064, ClinGen allele CA6303583.